The following is an entry in ClinVar:

NM_000321.3(RB1):c.862-10T>C

Gene: RB1 (RB transcriptional corepressor 1; plus strand). Cytogenetic location: 13q14.2.
Variant type: single nucleotide variant.
Coding change: c.862-10T>C on transcript NM_000321.3 (MANE Select); 10 bases into the intron before coding-DNA position 862, T replaced by C.
Molecular consequence: intron variant.
Genome position (GRCh38, 1-based): chr13:48,364,884, T>C. VCF-style: chr13-48364884-T-C. GRCh37 (hg19) VCF-style: chr13-48939020-T-C.
Other names: c.862-10T>C (NM_000321.2, NM_001407165.1, NM_001407166.1).
Identifiers: ClinVar variation 3721299 (VCV003721299.4).

ClinVar aggregate classification (germline): Likely pathogenic. Review status: criteria provided, multiple submitters, no conflicts (2 of 4 stars). 3 submissions from 3 submitters: Likely pathogenic (3). Last evaluated 2026-02-06.

Conditions:
Retinoblastoma (RB1). Also called: RETINOBLASTOMA, SOMATIC. Identifiers: Orphanet 790, MedGen C0035335, MeSH D012175, MONDO:0008380, OMIM 180200, HP:0009919. Disease mechanism: loss of function. Inheritance: Both sporadic and heritable forms are tested..
Hereditary cancer-predisposing syndrome. Also called: Hereditary Cancer Syndrome; Neoplastic Syndromes, Hereditary; Tumor predisposition; Hereditary neoplastic syndrome. Identifiers: Orphanet 140162, MedGen C0027672, MeSH D009386, MONDO:0015356.
RB1-related disorder. Also called: RB1-related condition.

Submissions (3):

Ambry Genetics
Classification: Likely pathogenic for Hereditary cancer-predisposing syndrome. Last evaluated: 2026-02-06. Review status: criteria provided, single submitter. Criteria: Ambry Variant Classification Scheme 2023. Collection method: clinical testing. Allele origin: germline.
Comment: The c.862-10T>C intronic variant results from a T to C substitution 10 nucleotides upstream from coding exon 9 in the RB1 gene. This variant was reported in individuals with features consistent with RB1-related hereditary retinoblastoma and was found to segregate with incomplete penetrance in one family (Blanquet, V et al. Hum. Mol. Genet. 1993 Jul;2(7):975-9; Lef&eacute;vre, SH et al. J. Med. Genet. 2002 May;39(5):E21; Chaussade A et al. Eur. J. Med. Genet., 2019 Mar;62:217-223). This nucleotide position is highly conserved in available vertebrate species. In silico splice site analysis for this alteration is inconclusive. RNA studies have demonstrated this variant results in the in-frame skipping of coding exon 9 (Ambry internal data; Lef&eacute;vre, SH et al. J. Med. Genet. 2002 May;39(5):E21). This variant is considered to be rare based on population cohorts in the Genome Aggregation Database (gnomAD). Based on the majority of available evidence to date, this variant is likely to be pathogenic.

PreventionGenetics, part of Exact Sciences
Classification: Likely pathogenic for RB1-related condition. Last evaluated: 2025-06-11. Review status: criteria provided, single submitter. Criteria: ACMG Guidelines, 2015. Collection method: clinical testing. Allele origin: germline.
Comment: The RB1 c.862-10T>C variant is predicted to interfere with splicing. This variant has been reported in individuals in a family with retinoblastoma that demonstrated incomplete penetrance (Lefévre et al. 2002. PubMed ID: 12011162); four carriers of the variant developed unilateral or bilateral retinoblastoma while four carriers were unaffected. RT-PCR analysis indicates this variant leads to partial exon 9 skipping (Lefévre et al. 2002. PubMed ID: 12011162). Alternate nucleotide changes impacting the same splice site (c.862-1G>A, c.862-2A>T, c.862-5T>G) have been reported in individual with retinoblastoma (see for example: Price et al. 2014. PubMed ID: 24225018; Dommering et al. 2014. PubMed ID: 24688104). The c.862-10T>C variant has not been reported in a large population database (gnomAD), indicating this variant is rare. This variant is interpreted as likely pathogenic in ClinVar. This variant is interpreted as likely pathogenic.

Labcorp Genetics (formerly Invitae), Labcorp
Classification: Likely pathogenic for Retinoblastoma. Last evaluated: 2024-02-01. Review status: criteria provided, single submitter. Criteria: Invitae Variant Classification Sherloc (09022015). Collection method: clinical testing. Allele origin: germline.
Comment: This sequence change falls in intron 8 of the RB1 gene. It does not directly change the encoded amino acid sequence of the RB1 protein. This variant is not present in population databases (gnomAD no frequency). This variant has been observed in individual(s) with retinoblastoma and/or unaffected individuals (PMID: 8364580, 12011162, 14722923). It has also been observed to segregate with disease in related individuals. Studies have shown that this variant is associated with inconclusive levels of altered splicing (PMID: 12011162). In summary, the currently available evidence indicates that the variant is pathogenic, but additional data are needed to prove that conclusively. Therefore, this variant has been classified as Likely Pathogenic.

Literature cited by the submitters: PubMed 30031154 (cited by Ambry Genetics); PubMed 8364580 (cited by Labcorp Genetics (formerly Invitae), Labcorp); PubMed 12011162 (cited by Labcorp Genetics (formerly Invitae), Labcorp); PubMed 14722923 (cited by Labcorp Genetics (formerly Invitae), Labcorp).